The following is an entry in ClinVar:

NM_015205.3(ATP11A):c.1332G>A (p.Gly444=)

Gene: ATP11A (ATPase phospholipid transporting 11A; plus strand). Cytogenetic location: 13q34.
Variant type: single nucleotide variant.
Coding change: c.1332G>A on transcript NM_015205.3 (MANE Select); coding-DNA position 1332, G replaced by A.
Protein change: p.Gly444=; no amino-acid change (glycine 444 retained).
Molecular consequence: synonymous variant.
Genome position (GRCh38, 1-based): chr13:112,831,485, G>A. VCF-style: chr13-112831485-G-A. GRCh37 (hg19) VCF-style: chr13-113485799-G-A.
Other names: c.1332G>A, p.Gly444= (NM_001405661.1, NM_001405662.1, NM_001405663.1 and 1 more transcripts).
Identifiers: ClinVar variation 4874432 (VCV004874432.2).
Genomic context (GRCh38, chr13:112,831,485, plus strand): 5'-GGAGTTCAAGGAGTGCTGCATCGAAGGCCATGTCTACGTGCCCCACGTCATCTGCAACGG[G>A]CAGGTCCTCCCAGAGTCGTCAGGAATCGACATGATTGACTCGTCCCCCAGCGTCAACGGG-3'
Protein context (NP_056020.2, residues 434-454): HVYVPHVICN[Gly444=]QVLPESSGID

ClinVar aggregate classification (germline): Likely benign (1 of 4 stars; one submission).

gnomAD v4.1: 39 of 1,614,060 alleles (0.0024%); highest among the groups gnomAD compares: Admixed American, 0.065%; no homozygotes.

Submission:

CeGaT Center for Human Genetics Tuebingen
Classification: Likely benign. Last evaluated: 2026-06-01. Review status: criteria provided, single submitter. Criteria: CeGaT Center For Human Genetics Tuebingen Variant Classification Criteria Version 2. Collection method: clinical testing. Allele origin: germline. Affected: yes. Observed: 1 variant allele.
Comment: ATP11A: BP4, BP7